The following is an entry in ClinVar:

ClinVar aggregate classification (germline): Uncertain significance (1 of 4 stars; one submission).

gnomAD v4.1: 1 of 1,475,316 alleles (0.000068%); highest among the groups gnomAD compares: Non-Finnish European, 0.000092%; no homozygotes.

Submission:

Women's Health and Genetics/Laboratory Corporation of America, LabCorp
Classification: Uncertain significance. Last evaluated: 2024-12-02. Review status: criteria provided, single submitter. Criteria: LabCorp Variant Classification Summary - May 2015. Collection method: clinical testing. Allele origin: germline.
Comment: Variant summary: PKD1 c.509C>G (p.Pro170Arg) results in a non-conservative amino acid change located in the Leucine rich repeat C-terminal domain (IPR000483) of the encoded protein sequence. Four of five in-silico tools predict a benign effect of the variant on protein function. The variant was absent in 80182 control chromosomes. The available data on variant occurrences in the general population are insufficient to allow any conclusion about variant significance. To our knowledge, no occurrence of c.509C>G in individuals affected with Polycystic Kidney Disease 1 and no experimental evidence demonstrating its impact on protein function have been reported. No submitters have cited clinical-significance assessments for this variant to ClinVar. Based on the evidence outlined above, the variant was classified as uncertain significance.

NM_001009944.3(PKD1):c.509C>G (p.Pro170Arg)

Gene: PKD1 (polycystin 1, transient receptor potential channel interacting; minus strand). Cytogenetic location: 16p13.3.
Variant type: single nucleotide variant.
Coding change: c.509C>G on transcript NM_001009944.3 (MANE Select); coding-DNA position 509, C replaced by G.
Protein change: p.Pro170Arg; replaces proline 170 with arginine.
Molecular consequence: missense variant.
Genome position (GRCh38, 1-based): chr16:2,118,696, G>C on the plus strand (C>G on the coding strand, the complement: PKD1 is on the minus strand). VCF-style: chr16-2118696-G-C. GRCh37 (hg19) VCF-style: chr16-2168697-G-C.
Other names: c.509C>G, p.Pro170Arg (NM_000296.4); short protein forms P170R.
Identifiers: ClinVar variation 3768398 (VCV003768398.1).